The following is an entry in ClinVar:

NM_018052.5(VAC14):c.367G>T (p.Val123Leu)

Gene: VAC14 (VAC14 component of PIKFYVE complex; minus strand). Cytogenetic location: 16q22.1.
Variant type: single nucleotide variant.
Coding change: c.367G>T on transcript NM_018052.5 (MANE Select); coding-DNA position 367, G replaced by T.
Protein change: p.Val123Leu; replaces valine 123 with leucine.
Molecular consequence: missense variant. On other transcripts: 5 prime UTR variant (1).
Genome position (GRCh38, 1-based): chr16:70,785,758, C>A on the plus strand (G>T on the coding strand, the complement: VAC14 is on the minus strand). VCF-style: chr16-70785758-C-A. GRCh37 (hg19) VCF-style: chr16-70819661-C-A.
Other names: c.-336G>T (NM_001351157.2); c.367G>T (NM_018052.3); short protein forms V123L.
Identifiers: ClinVar variation 1381783 (VCV001381783.7), dbSNP rs1331567920, ClinGen allele CA396612080.

ClinVar aggregate classification (germline): Uncertain significance. Review status: criteria provided, multiple submitters, no conflicts (2 of 4 stars). 2 submissions from 2 submitters: Uncertain significance (2). Last evaluated 2021-10-10.

Conditions:
Inborn genetic diseases. Identifiers: MedGen C0950123, MeSH D030342.

Allele frequency attached by ClinVar (database versions not stated): gnomAD exomes below 0.00001.
gnomAD v4.1: 1 of 1,579,128 alleles (0.000063%); highest among the groups gnomAD compares: Non-Finnish European, 0.000086%; no homozygotes.

Submissions (2):

Labcorp Genetics (formerly Invitae), Labcorp
Classification: Uncertain significance. Last evaluated: 2021-10-10. Review status: criteria provided, single submitter. Criteria: Invitae Variant Classification Sherloc (09022015). Collection method: clinical testing. Allele origin: germline.
Comment: In summary, the available evidence is currently insufficient to determine the role of this variant in disease. Therefore, it has been classified as a Variant of Uncertain Significance. This sequence change replaces valine with leucine at codon 123 of the VAC14 protein (p.Val123Leu). The valine residue is highly conserved and there is a small physicochemical difference between valine and leucine. This variant is not present in population databases (ExAC no frequency). This variant has not been reported in the literature in individuals affected with VAC14-related conditions. Algorithms developed to predict the effect of missense changes on protein structure and function are either unavailable or do not agree on the potential impact of this missense change (SIFT: "Tolerated"; PolyPhen-2: "Possibly Damaging"; Align-GVGD: "Class C0").

Ambry Genetics
Classification: Uncertain significance for Inborn genetic diseases. Last evaluated: 2021-09-27. Review status: criteria provided, single submitter. Criteria: Ambry Variant Classification Scheme 2023. Collection method: clinical testing. Allele origin: germline.